The following is an entry in ClinVar:

NM_001134363.3(RBM20):c.1668+12T>G

Gene: RBM20 (RNA binding motif protein 20; plus strand). Cytogenetic location: 10q25.2.
Variant type: single nucleotide variant.
Coding change: c.1668+12T>G on transcript NM_001134363.3 (MANE Select); 12 bases into the intron after coding-DNA position 1668, T replaced by G.
Molecular consequence: intron variant.
Genome position (GRCh38, 1-based): chr10:110,797,660, T>G. VCF-style: chr10-110797660-T-G. GRCh37 (hg19) VCF-style: chr10-112557418-T-G.
Other names: c.1668+12T>G (LRG_382t1).
Identifiers: ClinVar variation 382820 (VCV000382820.3), dbSNP rs1057521461, ClinGen allele CA16606621.

ClinVar aggregate classification (germline): Likely benign. Review status: criteria provided, multiple submitters, no conflicts (2 of 4 stars). 2 submissions from 2 submitters: Likely benign (2). Last evaluated 2024-12-20.

Conditions:
Dilated cardiomyopathy 1DD (CMD1DD). Identifiers: Orphanet 154, MedGen C2750995, MONDO:0013168, OMIM 613172.

Allele frequency attached by ClinVar (database versions not stated): gnomAD exomes below 0.00001 and 0.00001; TOPMed below 0.00001; gnomAD 0.00001.
gnomAD v4.1: 3 of 1,551,344 alleles (0.00019%); highest among the groups gnomAD compares: African/African-American, 0.0014%; no homozygotes.

Submissions (2):

Labcorp Genetics (formerly Invitae), Labcorp
Classification: Likely benign for Dilated cardiomyopathy 1DD. Last evaluated: 2024-12-20. Review status: criteria provided, single submitter. Criteria: Invitae Variant Classification Sherloc (09022015). Collection method: clinical testing. Allele origin: germline.

GeneDx
Classification: Likely benign. Last evaluated: 2016-01-07. Review status: criteria provided, single submitter. Criteria: GeneDx Variant Classification (06012015). Collection method: clinical testing. Allele origin: germline. Affected: yes.
Comment: This variant is considered likely benign or benign based on one or more of the following criteria: it is a conservative change, it occurs at a poorly conserved position in the protein, it is predicted to be benign by multiple in silico algorithms, and/or has population frequency not consistent with disease.